The following is an entry in ClinVar:

ClinVar aggregate classification (germline): Uncertain significance (1 of 4 stars; one submission).

Conditions:
Multiple congenital anomalies-hypotonia-seizures syndrome 1 (MCAHS1). Also called: PIGN-CDG; Congenital disorder of glycosylation due to PIGN deficiency; GLYCOSYLPHOSPHATIDYLINOSITOL BIOSYNTHESIS DEFECT 3. Identifiers: Orphanet 280633, MedGen C3279775, MONDO:0013563, OMIM 614080.

Submission:

Labcorp Genetics (formerly Invitae), Labcorp
Classification: Uncertain significance for Multiple congenital anomalies-hypotonia-seizures syndrome 1. Last evaluated: 2022-09-30. Review status: criteria provided, single submitter. Criteria: Invitae Variant Classification Sherloc (09022015). Collection method: clinical testing. Allele origin: germline.
Comment: This variant has not been reported in the literature in individuals affected with PIGN-related conditions. In summary, the available evidence is currently insufficient to determine the role of this variant in disease. Therefore, it has been classified as a Variant of Uncertain Significance. Advanced modeling of protein sequence and biophysical properties (such as structural, functional, and spatial information, amino acid conservation, physicochemical variation, residue mobility, and thermodynamic stability) performed at Invitae indicates that this missense variant is not expected to disrupt PIGN protein function. This variant is not present in population databases (gnomAD no frequency). This sequence change replaces tyrosine, which is neutral and polar, with asparagine, which is neutral and polar, at codon 769 of the PIGN protein (p.Tyr769Asn).

NM_176787.5(PIGN):c.2305T>A (p.Tyr769Asn)

Gene: PIGN (phosphatidylinositol glycan anchor biosynthesis class N; minus strand). Cytogenetic location: 18q21.33.
Variant type: single nucleotide variant.
Coding change: c.2305T>A on transcript NM_176787.5 (MANE Select); coding-DNA position 2305, T replaced by A.
Protein change: p.Tyr769Asn; replaces tyrosine 769 with asparagine.
Molecular consequence: missense variant.
Genome position (GRCh38, 1-based): chr18:62,088,821, A>T on the plus strand (T>A on the coding strand, the complement: PIGN is on the minus strand). VCF-style: chr18-62088821-A-T. GRCh37 (hg19) VCF-style: chr18-59756054-A-T.
Other names: c.2305T>A, p.Tyr769Asn (NM_012327.6); short protein forms Y769N.
Identifiers: ClinVar variation 2134199 (VCV002134199.4), dbSNP rs1476863780, ClinGen allele CA402602084.